The following is an entry in ClinVar:

NM_003995.4(NPR2):c.2738T>C (p.Met913Thr)

Genes: NPR2 (natriuretic peptide receptor 2; plus strand), SPAG8 (sperm associated antigen 8; minus strand). Cytogenetic location: 9p13.3.
Variant type: single nucleotide variant.
Coding change: c.2738T>C on transcript NM_003995.4 (MANE Select); coding-DNA position 2738, T replaced by C.
Protein change: p.Met913Thr; replaces methionine 913 with threonine.
Molecular consequence: missense variant. On other transcripts: intron variant (2).
Genome position (GRCh38, 1-based): chr9:35,808,534, T>C. VCF-style: chr9-35808534-T-C. GRCh37 (hg19) VCF-style: chr9-35808531-T-C.
Other names: c.2747T>C, p.Met916Thr (NM_001378923.1); c.1201-228A>G (NM_001366760.2); c.1373-228A>G (NM_172312.2); short protein forms M916T, M913T.
Identifiers: ClinVar variation 1376115 (VCV001376115.7), dbSNP rs2132100450, ClinGen allele CA373384842.
Genomic context (GRCh38, chr9:35,808,534, plus strand): 5'-AATAGAGGTGACCTTTTAATCCCCCTCTCAATCAGGTGGAGACGATTGGGGATGCTTACA[T>C]GGTGGTATCTGGCCTCCCAGGCCGAAATGGTCAACGCCATGCACCAGAAATTGCTCGTAT-3'
Protein context (NP_003986.2, residues 903-923): YKVETIGDAY[Met913Thr]VVSGLPGRNG

ClinVar aggregate classification (germline): Uncertain significance (1 of 4 stars; one submission).

Conditions:
Acromesomelic dysplasia 1, Maroteaux type (AMD1). Also called: ST. HELENA DYSPLASIA; ACROMESOMELIC DYSPLASIA 1. Identifiers: Orphanet 40, MedGen C1864356, MONDO:0011275, OMIM 602875.
Tall stature-scoliosis-macrodactyly of the great toes syndrome. Also called: Epiphyseal chondrodysplasia, miura type. Identifiers: Orphanet 329191, MedGen C4014690, MONDO:0014401, OMIM 615923.

Submission:

Labcorp Genetics (formerly Invitae), Labcorp
Classification: Uncertain significance for Tall stature-scoliosis-macrodactyly of the great toes syndrome; Acromesomelic dysplasia 1, Maroteaux type. Last evaluated: 2021-08-31. Review status: criteria provided, single submitter. Criteria: Invitae Variant Classification Sherloc (09022015). Collection method: clinical testing. Allele origin: germline.
Comment: Algorithms developed to predict the effect of missense changes on protein structure and function (SIFT, PolyPhen-2, Align-GVGD) all suggest that this variant is likely to be disruptive. In summary, the available evidence is currently insufficient to determine the role of this variant in disease. Therefore, it has been classified as a Variant of Uncertain Significance. This variant has not been reported in the literature in individuals affected with NPR2-related conditions. This variant is not present in population databases (ExAC no frequency). This sequence change replaces methionine with threonine at codon 913 of the NPR2 protein (p.Met913Thr). The methionine residue is highly conserved and there is a moderate physicochemical difference between methionine and threonine.